The following is an entry in ClinVar:

ClinVar aggregate classification (germline): Conflicting classifications of pathogenicity. Review status: criteria provided, conflicting classifications (1 of 4 stars). 5 submissions from 5 submitters: Uncertain significance (1); Benign (2); Likely benign (2). Last evaluated 2026-01-24.

Conditions:
Sarcoglycanopathy. Identifiers: Orphanet 207052, MedGen C2936331, MONDO:0016140.
Autosomal recessive limb-girdle muscular dystrophy type 2D (LGMDR3). Also called: MUSCULAR DYSTROPHY, LIMB-GIRDLE, AUTOSOMAL RECESSIVE 3; DUCHENNE-LIKE AUTOSOMAL RECESSIVE MUSCULAR DYSTROPHY, TYPE 2; ADHALINOPATHY, PRIMARY. Identifiers: Orphanet 62, MedGen C2936332, MONDO:0011968, OMIM 608099. Disease mechanism: Affects gamma-sarcoglycan and also disrupts the integrity of the entire sarcoglycan complex..

Allele frequency attached by ClinVar (database versions not stated): ESP Exome Variant Server 0.00115; TOPMed 0.00125; gnomAD 0.00151 and 0.00157; 1000 Genomes Project 0.00160; 1000 Genomes Project 30x 0.00172.
gnomAD v4.1: 2,934 of 1,613,292 alleles (0.18%); highest among the groups gnomAD compares: Non-Finnish European, 0.21%; 3 homozygotes.

Submissions (5):

Labcorp Genetics (formerly Invitae), Labcorp
Classification: Benign for Autosomal recessive limb-girdle muscular dystrophy type 2D. Last evaluated: 2026-01-24. Review status: criteria provided, single submitter. Criteria: Invitae Variant Classification Sherloc (09022015). Collection method: clinical testing. Allele origin: germline.

Women's Health and Genetics/Laboratory Corporation of America, LabCorp
Classification: Benign. Last evaluated: 2025-12-29. Review status: criteria provided, single submitter. Criteria: LabCorp Variant Classification Summary - May 2015. Collection method: clinical testing. Allele origin: germline.
Comment: Variant summary: SGCA c.158-11G>A alters a non-conserved nucleotide located at a position not widely known to affect splicing. Consensus agreement among computation tools predict no significant impact on normal splicing. However, these predictions have yet to be confirmed by functional studies. The variant allele was found at a frequency of 0.0018 in 1613292 control chromosomes, predominantly at a frequency of 0.0025 within the Non-Finnish European subpopulation in the gnomAD database, including 3 homozygotes. The observed variant frequency within Non-Finnish European control individuals in the gnomAD database exceeds the estimated maximal expected allele frequency for disease-causing variants in SGCA. To our knowledge, no occurrence of c.158-11G>A in individuals affected with SGCA-related conditions and no experimental evidence demonstrating its impact on protein function have been reported. The following publication has been ascertained in the context of this evaluation (PMID: 31931849). ClinVar contains an entry for this variant (Variation ID: 324041). Based on the evidence outlined above, the variant was classified as benign.

Blueprint Genetics
Classification: Likely benign. Last evaluated: 2024-11-22. Review status: criteria provided, single submitter. Criteria: ACMG Guidelines, 2015. Collection method: clinical testing. Allele origin: germline.

GeneDx
Classification: Likely benign. Last evaluated: 2021-01-28. Review status: criteria provided, single submitter. Criteria: GeneDx Variant Classification Process June 2021. Collection method: clinical testing. Allele origin: germline. Affected: yes.

Illumina Laboratory Services, Illumina
Classification: Uncertain significance for Sarcoglycanopathy. Last evaluated: 2018-01-12. Review status: criteria provided, single submitter. Criteria: ICSL Variant Classification Criteria 13 December 2019. Collection method: clinical testing. Allele origin: germline.

Literature cited by the submitters: PubMed 31931849 (cited by Women's Health and Genetics/Laboratory Corporation of America, LabCorp).

NM_000023.4(SGCA):c.158-11G>A

Gene: SGCA (sarcoglycan alpha; plus strand). Cytogenetic location: 17q21.33.
Variant type: single nucleotide variant.
Coding change: c.158-11G>A on transcript NM_000023.4 (MANE Select); 11 bases into the intron before coding-DNA position 158, G replaced by A.
Molecular consequence: intron variant.
Genome position (GRCh38, 1-based): chr17:50,167,571, G>A. VCF-style: chr17-50167571-G-A. GRCh37 (hg19) VCF-style: chr17-48244932-G-A.
Other names: c.158-11G>A (LRG_203t1, NM_001135697.3).
Identifiers: ClinVar variation 324041 (VCV000324041.17), dbSNP rs140261054, ClinGen allele CA8643719.